The following is an entry in ClinVar:

ClinVar aggregate classification (germline): Uncertain significance (1 of 4 stars; one submission).

Submission:

GeneDx
Classification: Uncertain significance. Last evaluated: 2025-12-11. Review status: criteria provided, single submitter. Criteria: GeneDx Variant Classification Process June 2021. Collection method: clinical testing. Allele origin: germline. Affected: yes.
Comment: Not observed at significant frequency in large population cohorts (gnomAD); In silico analysis suggests that this missense variant does not alter protein structure/function; Has not been previously published as pathogenic or benign to our knowledge

NM_000489.6(ATRX):c.3670C>G (p.Gln1224Glu)

Gene: ATRX (ATRX chromatin remodeler; minus strand). Cytogenetic location: Xq21.1.
Variant type: single nucleotide variant.
Coding change: c.3670C>G on transcript NM_000489.6 (MANE Select); coding-DNA position 3670, C replaced by G.
Protein change: p.Gln1224Glu; replaces glutamine 1224 with glutamic acid.
Molecular consequence: missense variant.
Genome position (GRCh38, 1-based): chrX:77,681,586, G>C on the plus strand (C>G on the coding strand, the complement: ATRX is on the minus strand). VCF-style: chrX-77681586-G-C. GRCh37 (hg19) VCF-style: chrX-76937078-G-C.
Other names: c.3556C>G, p.Gln1186Glu (NM_138270.5); short protein forms Q1224E, Q1186E.
Identifiers: ClinVar variation 387091 (VCV000387091.3), dbSNP rs1057522687, ClinGen allele CA16608592.